The following is an entry in ClinVar:

ClinVar aggregate classification (germline): Conflicting classifications of pathogenicity. Review status: criteria provided, conflicting classifications (1 of 4 stars). 2 submissions from 2 submitters: Uncertain significance (1); Likely benign (1). Last evaluated 2023-08-04.

Allele frequency attached by ClinVar (database versions not stated): ExAC 0.00002; TOPMed 0.00002; gnomAD 0.00003.
gnomAD v4.1: 39 of 1,614,086 alleles (0.0024%); highest among the groups gnomAD compares: Non-Finnish European, 0.0029%; no homozygotes.

Submissions (2):

Labcorp Genetics (formerly Invitae), Labcorp
Classification: Uncertain significance. Last evaluated: 2023-08-04. Review status: criteria provided, single submitter. Criteria: Invitae Variant Classification Sherloc (09022015). Collection method: clinical testing. Allele origin: germline.
Comment: Algorithms developed to predict the effect of sequence changes on RNA splicing suggest that this variant may create or strengthen a splice site. This variant has not been reported in the literature in individuals affected with COL9A2-related conditions. This variant is present in population databases (rs756707028, gnomAD 0.003%). This sequence change affects codon 195 of the COL9A2 mRNA. It is a 'silent' change, meaning that it does not change the encoded amino acid sequence of the COL9A2 protein. In summary, the available evidence is currently insufficient to determine the role of this variant in disease. Therefore, it has been classified as a Variant of Uncertain Significance.

Blueprint Genetics
Classification: Likely benign. Last evaluated: 2022-11-11. Review status: criteria provided, single submitter. Criteria: ACMG Guidelines, 2015. Collection method: clinical testing. Allele origin: germline.

NM_001852.4(COL9A2):c.585G>A (p.Ala195=)

Gene: COL9A2 (collagen type IX alpha 2 chain; minus strand). Cytogenetic location: 1p34.2.
Variant type: single nucleotide variant.
Coding change: c.585G>A on transcript NM_001852.4 (MANE Select); coding-DNA position 585, G replaced by A.
Protein change: p.Ala195=; no amino-acid change (alanine 195 retained).
Molecular consequence: synonymous variant.
Genome position (GRCh38, 1-based): chr1:40,311,138, C>T on the plus strand (G>A on the coding strand, the complement: COL9A2 is on the minus strand). VCF-style: chr1-40311138-C-T. GRCh37 (hg19) VCF-style: chr1-40776810-C-T.
Identifiers: ClinVar variation 2990939 (VCV002990939.4), dbSNP rs756707028, ClinGen allele CA791842.